The following is an entry in ClinVar:

NM_004990.4(MARS1):c.2693A>C (p.Lys898Thr)

Gene: MARS1 (methionyl-tRNA synthetase 1; plus strand). Cytogenetic location: 12q13.3.
Variant type: single nucleotide variant.
Coding change: c.2693A>C on transcript NM_004990.4 (MANE Select); coding-DNA position 2693, A replaced by C.
Protein change: p.Lys898Thr; replaces lysine 898 with threonine.
Molecular consequence: missense variant.
Genome position (GRCh38, 1-based): chr12:57,516,571, A>C. VCF-style: chr12-57516571-A-C. GRCh37 (hg19) VCF-style: chr12-57910354-A-C.
Other names: short protein forms K898T.
Identifiers: ClinVar variation 439876 (VCV000439876.16), dbSNP rs28382854, ClinGen allele CA6650924.

ClinVar aggregate classification (germline): Uncertain significance. Review status: criteria provided, multiple submitters, no conflicts (2 of 4 stars). 3 submissions from 3 submitters: Uncertain significance (3). Last evaluated 2025-06-22.

Conditions:
Severe early-onset pulmonary alveolar proteinosis due to MARS deficiency. Also called: PULMONARY ALVEOLAR PROTEINOSIS, REUNION ISLAND; Interstitial lung and liver disease. Identifiers: Orphanet 440427, MedGen C4225400, MONDO:0014206, OMIM 615486.
Charcot-Marie-Tooth disease axonal type 2U. Also called: CHARCOT-MARIE-TOOTH NEUROPATHY, TYPE 2U; CHARCOT-MARIE-TOOTH DISEASE, AXONAL, AUTOSOMAL DOMINANT, TYPE 2U. Identifiers: Orphanet 397735, MedGen C4084821, MONDO:0014566, OMIM 616280.

Allele frequency attached by ClinVar (database versions not stated): gnomAD 0.00001 and 0.00008; TOPMed 0.00003; ExAC 0.00007; gnomAD exomes 0.00009; 1000 Genomes Project 30x 0.00109; 1000 Genomes Project 0.00120.
gnomAD v4.1: 206 of 1,576,194 alleles (0.013%); highest among the groups gnomAD compares: East Asian, 0.44%; 1 homozygote.

Submissions (3):

Labcorp Genetics (formerly Invitae), Labcorp
Classification: Uncertain significance for Charcot-Marie-Tooth disease axonal type 2U; Severe early-onset pulmonary alveolar proteinosis due to MARS deficiency. Last evaluated: 2025-06-22. Review status: criteria provided, single submitter. Criteria: Invitae Variant Classification Sherloc (09022015). Collection method: clinical testing. Allele origin: germline.
Comment: This sequence change replaces lysine, which is basic and polar, with threonine, which is neutral and polar, at codon 898 of the MARS protein (p.Lys898Thr). This variant is present in population databases (rs28382854, gnomAD 0.09%). This missense change has been observed in individual(s) with Charcot-Marie-Tooth disease (PMID: 34813128). ClinVar contains an entry for this variant (Variation ID: 439876). Experimental studies and prediction algorithms are not available or were not evaluated, and the functional significance of this variant is currently unknown. In summary, the available evidence is currently insufficient to determine the role of this variant in disease. Therefore, it has been classified as a Variant of Uncertain Significance.

Ambry Genetics
Classification: Uncertain significance. Last evaluated: 2021-05-21. Review status: criteria provided, single submitter. Criteria: Ambry Variant Classification Scheme 2023. Collection method: clinical testing. Allele origin: germline.
Comment: The p.K898T variant (also known as c.2693A>C), located in coding exon 21 of the MARS gene, results from an A to C substitution at nucleotide position 2693. The lysine at codon 898 is replaced by threonine, an amino acid with similar properties. This amino acid position is well conserved in available vertebrate species. In addition, the in silico prediction for this alteration is inconclusive. Based on the supporting evidence, this variant is unlikely to be causative of Charcot-Marie-Tooth disease, type 2U (CMT2U); however, its contribution to the development of interstitial lung and liver disease is uncertain.

ARUP Laboratories, Molecular Genetics and Genomics, ARUP Laboratories
Classification: Uncertain significance. Last evaluated: 2017-02-02. Review status: criteria provided, single submitter. Criteria: ARUP Molecular Germline Variant Investigation Process. Collection method: clinical testing. Allele origin: germline.

Literature cited by the submitters: PubMed 34813128 (cited by Labcorp Genetics (formerly Invitae), Labcorp).